The following is an entry in ClinVar:

ClinVar aggregate classification (germline): Uncertain significance (1 of 4 stars; one submission).

Conditions:
Ehlers-Danlos syndrome, classic type, 1 (EDSCL1). Also called: EHLERS-DANLOS SYNDROME, GRAVIS TYPE; EHLERS-DANLOS SYNDROME, SEVERE CLASSIC TYPE; Ehlers-Danlos syndrome, type 1; Ehlers-Danlos Syndrome, Classic Type, COL5A1-Related; EDS I. Identifiers: MedGen C0268335, MONDO:0019567, OMIM 130000.

gnomAD v4.1: 3 of 1,613,250 alleles (0.00019%); highest among the groups gnomAD compares: Non-Finnish European, 0.00017%; no homozygotes.

Submission:

Labcorp Genetics (formerly Invitae), Labcorp
Classification: Uncertain significance for Ehlers-Danlos syndrome, classic type, 1. Last evaluated: 2025-08-18. Review status: criteria provided, single submitter. Criteria: Invitae Variant Classification Sherloc (09022015). Collection method: clinical testing. Allele origin: germline.
Comment: This sequence change replaces alanine, which is neutral and non-polar, with aspartic acid, which is acidic and polar, at codon 1675 of the COL5A1 protein (p.Ala1675Asp). This variant is present in population databases (rs774938713, gnomAD 0.006%). This variant has not been reported in the literature in individuals affected with COL5A1-related conditions. Invitae Evidence Modeling of protein sequence and biophysical properties (such as structural, functional, and spatial information, amino acid conservation, physicochemical variation, residue mobility, and thermodynamic stability) indicates that this missense variant is expected to disrupt COL5A1 protein function with a positive predictive value of 80%. In summary, the available evidence is currently insufficient to determine the role of this variant in disease. Therefore, it has been classified as a Variant of Uncertain Significance.

NM_000093.5(COL5A1):c.5024C>A (p.Ala1675Asp)

Genes: COL5A1 (collagen type V alpha 1 chain; plus strand), LOC101448202 (uncharacterized LOC101448202; minus strand). Cytogenetic location: 9q34.3.
Variant type: single nucleotide variant.
Coding change: c.5024C>A on transcript NM_000093.5 (MANE Select); coding-DNA position 5024, C replaced by A.
Protein change: p.Ala1675Asp; replaces alanine 1675 with aspartic acid.
Molecular consequence: missense variant.
Genome position (GRCh38, 1-based): chr9:134,825,861, C>A. VCF-style: chr9-134825861-C-A. GRCh37 (hg19) VCF-style: chr9-137717707-C-A.
Other names: c.5024C>A, p.Ala1675Asp (NM_001278074.1); short protein forms A1675D.
Identifiers: ClinVar variation 4749151 (VCV004749151.1).
Genomic context (GRCh38, chr9:134,825,861, plus strand): 5'-GGGTCGATCCTAACCAAGGATGCTCCAGGGATTCCTTCAAGGTTTACTGCAACTTCACAG[C>A]CGGGGGGTCGACATGCGTCTTCCCTGACAAGAAGTCCGAAGGGGTGAGTAGCTGTGTCCC-3'
Protein context (NP_000084.3, residues 1665-1685): DSFKVYCNFT[Ala1675Asp]GGSTCVFPDK